The following is an entry in ClinVar:

NM_000230.3(LEP):c.313C>G (p.Arg105Gly)

Gene: LEP (leptin; plus strand). Cytogenetic location: 7q32.1.
Variant type: single nucleotide variant.
Coding change: c.313C>G on transcript NM_000230.3 (MANE Select); coding-DNA position 313, C replaced by G.
Protein change: p.Arg105Gly; replaces arginine 105 with glycine.
Molecular consequence: missense variant.
Genome position (GRCh38, 1-based): chr7:128,254,572, C>G. VCF-style: chr7-128254572-C-G. GRCh37 (hg19) VCF-style: chr7-127894625-C-G.
Other names: short protein forms R105G.
Identifiers: ClinVar variation 4992483 (VCV004992483.1).
Genomic context (GRCh38, chr7:128,254,572, plus strand): 5'-ATCCTCACCAGTATGCCTTCCAGAAACGTGATCCAAATATCCAACGACCTGGAGAACCTC[C>G]GGGATCTTCTTCACGTGCTGGCCTTCTCTAAGAGCTGCCACTTGCCCTGGGCCAGTGGCC-3'
Protein context (NP_000221.1, residues 95-115): IQISNDLENL[Arg105Gly]DLLHVLAFSK

ClinVar aggregate classification (germline): Uncertain significance (1 of 4 stars; one submission).

Conditions:
LEP-related disorder. Also called: LEP-related condition.

Submission:

PreventionGenetics, part of Exact Sciences
Classification: Uncertain significance for LEP-related condition. Last evaluated: 2026-09-23. Review status: criteria provided, single submitter. Criteria: ACMG Guidelines, 2015. Collection method: clinical testing. Allele origin: germline.
Comment: The LEP c.313C>G variant is predicted to result in the amino acid substitution p.Arg105Gly. To our knowledge, this variant has not been reported in the literature or in a large population database (gnomAD), indicating this variant is rare. At this time, the clinical significance of this variant is uncertain due to the absence of conclusive functional and genetic evidence.